The following is an entry in ClinVar:

NM_000719.7(CACNA1C):c.3110C>G (p.Thr1037Ser)

Gene: CACNA1C (calcium voltage-gated channel subunit alpha1 C; plus strand). Cytogenetic location: 12p13.33.
Variant type: single nucleotide variant.
Coding change: c.3110C>G on transcript NM_000719.7 (MANE Select); coding-DNA position 3110, C replaced by G.
Protein change: p.Thr1037Ser; replaces threonine 1037 with serine.
Molecular consequence: missense variant.
Genome position (GRCh38, 1-based): chr12:2,605,740, C>G. VCF-style: chr12-2605740-C-G. GRCh37 (hg19) VCF-style: chr12-2714906-C-G.
Other names: c.3170C>G, p.Thr1057Ser (NM_001129827.2, NM_001129832.2, NM_199460.4); c.3110C>G, p.Thr1037Ser (NM_001129829.2, NM_001129830.3, NM_001129831.2 and 15 more transcripts); c.3101C>G, p.Thr1034Ser (NM_001129844.2); short protein forms T1057S, T1037S, T1034S.
Identifiers: ClinVar variation 2778929 (VCV002778929.3), dbSNP rs2518134216, ClinGen allele CA383374208.

ClinVar aggregate classification (germline): Uncertain significance (1 of 4 stars; one submission).

Conditions:
Long QT syndrome (LQTS). Identifiers: MedGen C0023976, MeSH D008133, MONDO:0002442. Disease mechanism: loss of function. Inheritance: Various modes of inheritance.

Allele frequency attached by ClinVar (database versions not stated): gnomAD exomes below 0.00001.
gnomAD v4.1: 1 of 1,614,074 alleles (0.000062%); highest among the groups gnomAD compares: Non-Finnish European, 0.000085%; no homozygotes.

Submission:

Labcorp Genetics (formerly Invitae), Labcorp
Classification: Uncertain significance for Long QT syndrome. Last evaluated: 2023-06-02. Review status: criteria provided, single submitter. Criteria: Invitae Variant Classification Sherloc (09022015). Collection method: clinical testing. Allele origin: germline.
Comment: In summary, the available evidence is currently insufficient to determine the role of this variant in disease. Therefore, it has been classified as a Variant of Uncertain Significance. Advanced modeling of protein sequence and biophysical properties (such as structural, functional, and spatial information, amino acid conservation, physicochemical variation, residue mobility, and thermodynamic stability) has been performed at Invitae for this missense variant, however the output from this modeling did not meet the statistical confidence thresholds required to predict the impact of this variant on CACNA1C protein function. This variant has not been reported in the literature in individuals affected with CACNA1C-related conditions. This variant is not present in population databases (gnomAD no frequency). This sequence change replaces threonine, which is neutral and polar, with serine, which is neutral and polar, at codon 1037 of the CACNA1C protein (p.Thr1037Ser).